The following is an entry in ClinVar:

NM_030632.3(ASXL3):c.6684_6687dup (p.Cys2230fs)

Gene: ASXL3 (ASXL transcriptional regulator 3; plus strand). Cytogenetic location: 18q12.1.
Variant type: Duplication.
Coding change: c.6684_6687dup on transcript NM_030632.3 (MANE Select); coding-DNA positions 6684 to 6687, 4 bases duplicated (CTTC; older notation c.6684_6687dupCTTC).
Protein change: p.Cys2230fs; shifts the reading frame from cysteine 2230.
Molecular consequence: frameshift variant.
Genome position (GRCh38, 1-based): chr18:33,746,532-33,746,535, CTTC duplicated; duplicating any 4 consecutive bases within chr18:33,746,531-33,746,535 gives the same sequence; the c. name uses the placement nearest the transcript's 3' end. VCF-style (leftmost placement, unchanged base first): chr18-33746530-G-GCCTT. GRCh37 (hg19) VCF-style: chr18-31326494-G-GCCTT.
Other names: short protein forms C2230fs.
Identifiers: ClinVar variation 1705636 (VCV001705636.1), dbSNP rs2510935444, ClinGen allele CA2580095653.

ClinVar aggregate classification (germline): Likely pathogenic (1 of 4 stars; one submission).

Conditions:
Bainbridge-Ropers syndrome. Also called: Severe feeding difficulties-failure to thrive-microcephaly due to ASXL3 deficiency syndrome. Identifiers: Orphanet 352577, MedGen C4750837, MONDO:0014205, OMIM 615485.

Submission:

3billion
Classification: Likely pathogenic for Bainbridge-Ropers syndrome. Last evaluated: 2022-09-01. Review status: criteria provided, single submitter. Criteria: ACMG Guidelines, 2015. Collection method: clinical testing. Allele origin: germline. Affected: yes. Observed: 1 heterozygote.
Comment: The variant is not observed in the gnomAD v2.1.1 dataset. Frameshift variant is predicted to result in a loss or disruption of normal protein function through protein truncation. The predicted truncated protein may be shortened by less than 10%. Therefore, this variant is classified as Likely pathogenic according to the recommendation of ACMG/AMP guideline.